The following is an entry in ClinVar:

NM_001330288.2(SMARCC2):c.3351G>A (p.Pro1117=)

Gene: SMARCC2 (SWI/SNF related BAF chromatin remodeling complex subunit C2; minus strand). Cytogenetic location: 12q13.2.
Variant type: single nucleotide variant.
Coding change: c.3351G>A on transcript NM_001330288.2 (MANE Select); coding-DNA position 3351, G replaced by A.
Protein change: p.Pro1117=; no amino-acid change (proline 1117 retained).
Molecular consequence: synonymous variant. On other transcripts: intron variant (2).
Genome position (GRCh38, 1-based): chr12:56,164,613, C>T on the plus strand (G>A on the coding strand, the complement: SMARCC2 is on the minus strand). VCF-style: chr12-56164613-C-T. GRCh37 (hg19) VCF-style: chr12-56558397-C-T.
Other names: c.3258G>A, p.Pro1086= (NM_003075.5); c.3316+35G>A (NM_139067.4, NM_001130420.3).
Identifiers: ClinVar variation 1711343 (VCV001711343.30), dbSNP rs75924441, ClinGen allele CA6625571.

ClinVar aggregate classification (germline): Likely benign (1 of 4 stars; one submission).

Allele frequency attached by ClinVar (database versions not stated): ESP Exome Variant Server 0.00169.
gnomAD v4.1: 2,804 of 1,613,342 alleles (0.17%); highest among the groups gnomAD compares: Non-Finnish European, 0.22%; 5 homozygotes.

Submission:

CeGaT Center for Human Genetics Tuebingen
Classification: Likely benign. Last evaluated: 2026-07-01. Review status: criteria provided, single submitter. Criteria: CeGaT Center For Human Genetics Tuebingen Variant Classification Criteria Version 2. Collection method: clinical testing. Allele origin: germline. Affected: yes. Observed: 10 variant alleles.
Comment: SMARCC2: BP4, BP7, BS1